The following is an entry in ClinVar:

NM_015978.3(TNNI3K):c.591T>C (p.Gly197=)

Genes: FPGT-TNNI3K (FPGT-TNNI3K readthrough; plus strand), TNNI3K (TNNI3 interacting kinase; plus strand). Cytogenetic location: 1p31.1.
Variant type: single nucleotide variant.
Coding change: c.591T>C on transcript NM_015978.3 (MANE Select); coding-DNA position 591, T replaced by C.
Protein change: p.Gly197=; no amino-acid change (glycine 197 retained).
Molecular consequence: synonymous variant.
Genome position (GRCh38, 1-based): chr1:74,336,058, T>C. VCF-style: chr1-74336058-T-C. GRCh37 (hg19) VCF-style: chr1-74801742-T-C.
Other names: c.894T>C, p.Gly298= (NM_001112808.3, NM_001199327.2).
Identifiers: ClinVar variation 1557189 (VCV001557189.32), dbSNP rs139459339, ClinGen allele CA908954.
Genomic context (GRCh38, chr1:74,336,058, plus strand): 5'-ATAAATCCTTTAGGTAACTCGCCTTCTTTTGAAATTTGGTGCTGATGTAAATGTAAGTGG[T>C]GAAGTTGGAGATAGACCCCTCCACCTAGCATCTGCAAAAGGATTCTTGAATATTGCAAAA-3'
Protein context (NP_057062.1, residues 187-207): LKFGADVNVS[Gly197=]EVGDRPLHLA

ClinVar aggregate classification (germline): Benign/Likely benign. Review status: criteria provided, multiple submitters, no conflicts (2 of 4 stars). 3 submissions from 3 submitters: Benign (1); Likely benign (2). Last evaluated 2026-01-25.

Allele frequency attached by ClinVar (database versions not stated): gnomAD exomes 0.00011 and 0.00019; TOPMed 0.00013; gnomAD 0.00014 and 0.00018; ESP Exome Variant Server 0.00015; ExAC 0.00023.
gnomAD v4.1: 197 of 1,598,742 alleles (0.012%); highest among the groups gnomAD compares: Middle Eastern, 0.033%; 1 homozygote.

Submissions (3):

Labcorp Genetics (formerly Invitae), Labcorp
Classification: Benign. Last evaluated: 2026-01-25. Review status: criteria provided, single submitter. Criteria: Invitae Variant Classification Sherloc (09022015). Collection method: clinical testing. Allele origin: germline.

Blueprint Genetics
Classification: Likely benign. Last evaluated: 2024-10-08. Review status: criteria provided, single submitter. Criteria: ACMG Guidelines, 2015. Collection method: clinical testing. Allele origin: germline.

CeGaT Center for Human Genetics Tuebingen
Classification: Likely benign. Last evaluated: 2023-07-01. Review status: criteria provided, single submitter. Criteria: CeGaT Center For Human Genetics Tuebingen Variant Classification Criteria Version 2. Collection method: clinical testing. Allele origin: germline. Affected: yes. Observed: 1 variant allele.
Comment: FPGT-TNNI3K: BP4, BP7; TNNI3K: BP4, BP7